The following is an entry in ClinVar:

ClinVar aggregate classification (germline): Uncertain significance. Review status: criteria provided, multiple submitters, no conflicts (2 of 4 stars). 2 submissions from 2 submitters: Uncertain significance (2). Last evaluated 2022-04-28.

Allele frequency attached by ClinVar (database versions not stated): gnomAD exomes below 0.00001.
gnomAD v4.1: 1 of 1,614,132 alleles (0.000062%); highest among the groups gnomAD compares: Admixed American, 0.0017%; no homozygotes.

Submissions (2):

GeneDx
Classification: Uncertain significance. Last evaluated: 2022-04-28. Review status: criteria provided, single submitter. Criteria: GeneDx Variant Classification Process June 2021. Collection method: clinical testing. Allele origin: germline. Affected: yes.
Comment: Not observed at significant frequency in large population cohorts (gnomAD); In silico analysis supports that this missense variant has a deleterious effect on protein structure/function; Has not been previously published as pathogenic or benign to our knowledge

Labcorp Genetics (formerly Invitae), Labcorp
Classification: Uncertain significance. Last evaluated: 2021-07-01. Review status: criteria provided, single submitter. Criteria: Invitae Variant Classification Sherloc (09022015). Collection method: clinical testing. Allele origin: germline.
Comment: This variant is not present in population databases (ExAC no frequency). Algorithms developed to predict the effect of missense changes on protein structure and function (SIFT, PolyPhen-2, Align-GVGD) all suggest that this variant is likely to be tolerated. This variant has not been reported in the literature in individuals affected with CTNNB1-related conditions. This sequence change replaces glycine with glutamic acid at codon 268 of the CTNNB1 protein (p.Gly268Glu). The glycine residue is highly conserved and there is a moderate physicochemical difference between glycine and glutamic acid. In summary, the available evidence is currently insufficient to determine the role of this variant in disease. Therefore, it has been classified as a Variant of Uncertain Significance.

NM_001904.4(CTNNB1):c.803G>A (p.Gly268Glu)

Gene: CTNNB1 (catenin beta 1; plus strand). Cytogenetic location: 3p22.1.
Variant type: single nucleotide variant.
Coding change: c.803G>A on transcript NM_001904.4 (MANE Select); coding-DNA position 803, G replaced by A.
Protein change: p.Gly268Glu; replaces glycine 268 with glutamic acid.
Molecular consequence: missense variant.
Genome position (GRCh38, 1-based): chr3:41,225,728, G>A. VCF-style: chr3-41225728-G-A. GRCh37 (hg19) VCF-style: chr3-41267219-G-A.
Other names: c.803G>A, p.Gly268Glu (NM_001098209.2, NM_001098210.2); c.782G>A, p.Gly261Glu (NM_001330729.2); short protein forms G268E, G261E.
Identifiers: ClinVar variation 1403651 (VCV001403651.9), dbSNP rs2125624230, ClinGen allele CA352230187.